The following is an entry in ClinVar:

NM_003743.5(NCOA1):c.531A>G (p.Leu177=)

Gene: NCOA1 (nuclear receptor coactivator 1; plus strand). Cytogenetic location: 2p23.3.
Variant type: single nucleotide variant.
Coding change: c.531A>G on transcript NM_003743.5 (MANE Select); coding-DNA position 531, A replaced by G.
Protein change: p.Leu177=; no amino-acid change (leucine 177 retained).
Molecular consequence: synonymous variant.
Genome position (GRCh38, 1-based): chr2:24,683,127, A>G. VCF-style: chr2-24683127-A-G. GRCh37 (hg19) VCF-style: chr2-24905996-A-G.
Other names: c.531A>G, p.Leu177= (NM_001362950.1, NM_001362952.1, NM_001362954.1 and 3 more transcripts).
Identifiers: ClinVar variation 3352238 (VCV003352238.1).

ClinVar aggregate classification (germline): Likely benign (0 of 4 stars; one submission).

Conditions:
NCOA1-related disorder. Also called: NCOA1-related condition.

gnomAD v4.1: 7 of 1,556,792 alleles (0.00045%); highest among the groups gnomAD compares: African/African-American, 0.0055%; no homozygotes.

Submission:

PreventionGenetics, part of Exact Sciences
Classification: Likely benign for NCOA1-related condition. Last evaluated: 2024-05-31. Review status: no assertion criteria provided. Collection method: clinical testing. Allele origin: germline.
Comment: This variant is classified as likely benign based on ACMG/AMP sequence variant interpretation guidelines (Richards et al. 2015 PMID: 25741868, with internal and published modifications).